The following is an entry in ClinVar:

ClinVar aggregate classification (germline): Likely pathogenic (1 of 4 stars; one submission).

Conditions:
Kleefstra syndrome 2 (KLEFS2). Identifiers: MedGen C4540395, MONDO:0054701, OMIM 617768.

Submission:

Greenwood Genetic Center Diagnostic Laboratories, Greenwood Genetic Center
Classification: Likely pathogenic for Kleefstra syndrome 2. Last evaluated: 2025-05-23. Review status: criteria provided, single submitter. Criteria: ACMG Guidelines, 2015. Collection method: clinical testing. Allele origin: germline. Affected: yes.
Comment: PS2, PM2, PP2, PP3

NM_170606.3(KMT2C):c.14386A>G (p.Met4796Val)

Gene: KMT2C (lysine methyltransferase 2C; minus strand). Cytogenetic location: 7q36.1.
Variant type: single nucleotide variant.
Coding change: c.14386A>G on transcript NM_170606.3 (MANE Select); coding-DNA position 14386, A replaced by G.
Protein change: p.Met4796Val; replaces methionine 4796 with valine.
Molecular consequence: missense variant.
Genome position (GRCh38, 1-based): chr7:152,139,749, T>C on the plus strand (A>G on the coding strand, the complement: KMT2C is on the minus strand). VCF-style: chr7-152139749-T-C. GRCh37 (hg19) VCF-style: chr7-151836834-T-C.
Other names: short protein forms M4796V.
Identifiers: ClinVar variation 4538253 (VCV004538253.1).
Genomic context (GRCh38, chr7:152,139,749, plus strand): 5'-GCTTCTCTTTCCTGTTGGCTACTTCGTTTCGAATGATAGTCCCGATGTACTCAATGACCA[T>C]GGTGTGTTTCTCAATGTCTCGAGCAGCATACAGGCCCAGCCCCTAAAAAAAAGTGTGTAC-3'
Protein context (NP_733751.2, residues 4786-4806): YAARDIEKHT[Met4796Val]VIEYIGTIIR